The following is an entry in ClinVar:

NM_018901.4(PCDHA10):c.2388+34T>C

Genes: PCDHA1 (protocadherin alpha 1; plus strand), PCDHA10 (protocadherin alpha 10; plus strand), PCDHA2 (protocadherin alpha 2; plus strand), PCDHA3 (protocadherin alpha 3; plus strand), PCDHA4 (protocadherin alpha 4; plus strand) and 6 more. Cytogenetic location: 5q31.3.
Variant type: single nucleotide variant.
Coding change: c.2388+34T>C on transcript NM_018901.4 (MANE Select); 34 bases into the intron after coding-DNA position 2388, T replaced by C.
Molecular consequence: intron variant. On other transcripts: missense variant (1).
Genome position (GRCh38, 1-based): chr5:140,858,470, T>C. VCF-style: chr5-140858470-T-C. GRCh37 (hg19) VCF-style: chr5-140238055-T-C.
Other names: c.2422T>C, p.Phe808Leu (NM_031859.3); c.2394+69786T>C (NM_018900.4); c.1602+70578T>C (NM_031411.3); c.2388+61118T>C (NM_018905.3); c.2394+54879T>C (NM_018906.3); c.2385+48898T>C (NM_018907.4); c.2352+34343T>C (NM_018908.3); c.2394+27985T>C (NM_018909.4); and 5 more; short protein forms F808L.
Identifiers: ClinVar variation 1286304 (VCV001286304.2), dbSNP rs73793505, ClinGen allele CA3451458.

ClinVar aggregate classification (germline): Benign (1 of 4 stars; one submission).

Allele frequency attached by ClinVar (database versions not stated): gnomAD exomes 0.00156 and 0.00382; ESP Exome Variant Server 0.01770; gnomAD 0.01824 and 0.01699; 1000 Genomes Project 30x 0.02014; 1000 Genomes Project 0.01877; ExAC 0.00657.
gnomAD v4.1: 4,807 of 1,519,778 alleles (0.32%); highest among the groups gnomAD compares: African/African-American, 5.8%; 358 homozygotes.

Submission:

GeneDx
Classification: Benign. Last evaluated: 2019-01-11. Review status: criteria provided, single submitter. Criteria: GeneDx Variant Classification Process June 2021. Collection method: clinical testing. Allele origin: germline. Affected: yes.
Comment: This variant is associated with the following publications: (PMID: 28530678)